The following is an entry in ClinVar:

NM_001318852.2(MAPK8IP3):c.3234dup (p.Glu1079fs)

Gene: MAPK8IP3 (mitogen-activated protein kinase 8 interacting protein 3; plus strand). Cytogenetic location: 16p13.3.
Variant type: Duplication.
Coding change: c.3234dup on transcript NM_001318852.2 (MANE Select); coding-DNA position 3234, one base duplicated (A; older notation c.3234dupA).
Protein change: p.Glu1079fs; shifts the reading frame from glutamic acid 1079.
Molecular consequence: frameshift variant.
Genome position (GRCh38, 1-based): chr16:1,767,294, A duplicated. VCF-style (leftmost placement, unchanged base first): chr16-1767293-T-TA. GRCh37 (hg19) VCF-style: chr16-1817294-T-TA.
Other names: c.3213dup, p.Glu1072fs (NM_001040439.2); c.3231dup, p.Glu1078fs (NM_015133.5); short protein forms E1072fs, E1078fs, E1079fs.
Identifiers: ClinVar variation 3765769 (VCV003765769.1).
Genomic context (GRCh38, chr16:1,767,293, plus strand): 5'-ACCGCGTGTGGTGTGGCTACAAGAACAAGGTGCACGTCATCCAGCCCAAGACCATGCAGA[T>TA]AGAGGCGAGTGCCGGCCAGGGCCCCGGGGAGGGGAAGAGGCTCCTGCTGGCCAGCAGCTC-3'

ClinVar aggregate classification (germline): Uncertain significance (1 of 4 stars; one submission).

Submission:

Greenwood Genetic Center Diagnostic Laboratories, Greenwood Genetic Center
Classification: Uncertain significance. Last evaluated: 2024-11-18. Review status: criteria provided, single submitter. Criteria: ACMG Guidelines, 2015. Collection method: clinical testing. Allele origin: germline. Affected: yes.
Comment: PM2